The following is an entry in ClinVar:

ClinVar aggregate classification (germline): Uncertain significance. Review status: criteria provided, multiple submitters, no conflicts (2 of 4 stars). 3 submissions from 3 submitters: Uncertain significance (3). Last evaluated 2024-10-12.

Conditions:
Familial thoracic aortic aneurysm and aortic dissection (TAAD). Also called: Thoracic aortic aneurysms and dissections. Identifiers: Orphanet 91387, MedGen C4707243, MONDO:0019625.
Ehlers-Danlos syndrome, type 4 (EDSVASC). Also called: Ehlers-Danlos Syndrome Type IV; Ehlers-Danlos syndrome vascular type; Ehlers Danlos syndrome, ecchymotic type; Ehlers Danlos syndrome, arterial type; Ehlers Danlos syndrome, Sack-Barabas type. Identifiers: Orphanet 286, MedGen C0268338, MONDO:0017314, OMIM 130050.

gnomAD v4.1: 1 of 1,613,906 alleles (0.000062%); highest among the groups gnomAD compares: Non-Finnish European, 0.000085%; no homozygotes.

Submissions (3):

Labcorp Genetics (formerly Invitae), Labcorp
Classification: Uncertain significance for Ehlers-Danlos syndrome, type 4. Last evaluated: 2024-10-12. Review status: criteria provided, single submitter. Criteria: Invitae Variant Classification Sherloc (09022015). Collection method: clinical testing. Allele origin: germline.
Comment: This sequence change replaces alanine, which is neutral and non-polar, with threonine, which is neutral and polar, at codon 589 of the COL3A1 protein (p.Ala589Thr). This variant is not present in population databases (gnomAD no frequency). This variant has not been reported in the literature in individuals affected with COL3A1-related conditions. ClinVar contains an entry for this variant (Variation ID: 918859). Invitae Evidence Modeling of protein sequence and biophysical properties (such as structural, functional, and spatial information, amino acid conservation, physicochemical variation, residue mobility, and thermodynamic stability) indicates that this missense variant is not expected to disrupt COL3A1 protein function with a negative predictive value of 95%. In summary, the available evidence is currently insufficient to determine the role of this variant in disease. Therefore, it has been classified as a Variant of Uncertain Significance.

Color Diagnostics, LLC DBA Color Health
Classification: Uncertain significance for Familial thoracic aortic aneurysm and aortic dissection. Last evaluated: 2024-03-06. Review status: criteria provided, single submitter. Criteria: ACMG Guidelines, 2015. Collection method: clinical testing. Allele origin: germline.
Comment: This missense variant replaces alanine with threonine at codon 589 of the COL3A1 protein. Computational prediction suggests that this variant may not impact protein structure and function (internally defined REVEL score threshold <= 0.5, PMID: 27666373). To our knowledge, functional studies have not been reported for this variant. This variant has not been reported in individuals affected with COL3A1-related disorders in the literature. This variant has not been identified in the general population by the Genome Aggregation Database (gnomAD). The available evidence is insufficient to determine the role of this variant in disease conclusively. Therefore, this variant is classified as a Variant of Uncertain Significance.

All of Us Research Program, National Institutes of Health
Classification: Uncertain significance for Ehlers-Danlos syndrome, type 4. Last evaluated: 2023-06-26. Review status: criteria provided, single submitter. Criteria: ACMG Guidelines, 2015. Collection method: clinical testing. Allele origin: germline. Inheritance: Autosomal dominant inheritance. Observed: 1 variant allele, 1 heterozygote.
Comment: This missense variant replaces alanine with threonine at codon 589 of the COL3A1 protein. Computational prediction tools and conservation analyses are inconclusive regarding the impact of this variant on the protein function. Computational splicing tools suggest that this variant may not impact RNA splicing. To our knowledge, functional assays have not been performed for this variant nor has this variant been reported in individuals affected with cardiovascular disorders in the literature. This variant has not been identified in the general population by the Genome Aggregation Database (gnomAD). Available evidence is insufficient to determine the role of this variant in disease conclusively. Therefore, this variant is classified as a Variant of Uncertain Significance.

This study involves interpretation of variants in research participants for the purpose of population health screening. Participant phenotype was not available at the time of variant classification. Additional details can be found in publication PMID: 35346344, PMCID: PMC8962531

NM_000090.4(COL3A1):c.1765G>A (p.Ala589Thr)

Gene: COL3A1 (collagen type III alpha 1 chain; plus strand). Cytogenetic location: 2q32.2.
Variant type: single nucleotide variant.
Coding change: c.1765G>A on transcript NM_000090.4 (MANE Select); coding-DNA position 1765, G replaced by A.
Protein change: p.Ala589Thr; replaces alanine 589 with threonine.
Molecular consequence: missense variant.
Genome position (GRCh38, 1-based): chr2:188,997,168, G>A. VCF-style: chr2-188997168-G-A. GRCh37 (hg19) VCF-style: chr2-189861894-G-A.
Other names: short protein forms A589T.
Identifiers: ClinVar variation 918859 (VCV000918859.9), dbSNP rs1327158014, ClinGen allele CA349853194.